The following is an entry in ClinVar:

ClinVar aggregate classification (germline): Uncertain significance (1 of 4 stars; one submission).

Conditions:
Mendelian susceptibility to mycobacterial diseases due to complete IL12RB1 deficiency. Also called: Immunodeficiency 30; IL12RB1 DEFICIENCY. Identifiers: Orphanet 319552, MedGen C4013949, MONDO:0013955, OMIM 614891.

gnomAD v4.1: 4 of 1,612,784 alleles (0.00025%); highest among the groups gnomAD compares: Non-Finnish European, 0.00034%; no homozygotes.

Submission:

Labcorp Genetics (formerly Invitae), Labcorp
Classification: Uncertain significance for Mendelian susceptibility to mycobacterial diseases due to complete IL12RB1 deficiency. Last evaluated: 2024-07-19. Review status: criteria provided, single submitter. Criteria: Invitae Variant Classification Sherloc (09022015). Collection method: clinical testing. Allele origin: germline.
Comment: This sequence change replaces valine, which is neutral and non-polar, with glycine, which is neutral and non-polar, at codon 564 of the IL12RB1 protein (p.Val564Gly). This variant is not present in population databases (gnomAD no frequency). This variant has not been reported in the literature in individuals affected with IL12RB1-related conditions. Advanced modeling of protein sequence and biophysical properties (such as structural, functional, and spatial information, amino acid conservation, physicochemical variation, residue mobility, and thermodynamic stability) performed at Invitae indicates that this missense variant is not expected to disrupt IL12RB1 protein function with a negative predictive value of 80%. In summary, the available evidence is currently insufficient to determine the role of this variant in disease. Therefore, it has been classified as a Variant of Uncertain Significance.

NM_005535.3(IL12RB1):c.1691T>G (p.Val564Gly)

Gene: IL12RB1 (interleukin 12 receptor subunit beta 1; minus strand). Cytogenetic location: 19p13.11.
Variant type: single nucleotide variant.
Coding change: c.1691T>G on transcript NM_005535.3 (MANE Select); coding-DNA position 1691, T replaced by G.
Protein change: p.Val564Gly; replaces valine 564 with glycine.
Molecular consequence: missense variant.
Genome position (GRCh38, 1-based): chr19:18,062,205, A>C on the plus strand (T>G on the coding strand, the complement: IL12RB1 is on the minus strand). VCF-style: chr19-18062205-A-C. GRCh37 (hg19) VCF-style: chr19-18173015-A-C.
Other names: c.1691T>G, p.Val564Gly (NM_001290023.2); c.1811T>G, p.Val604Gly (NM_001290024.2); short protein forms V564G, V604G.
Identifiers: ClinVar variation 3681832 (VCV003681832.2).